The following is an entry in ClinVar:

NM_001854.4(COL11A1):c.1231A>G (p.Ile411Val)

Gene: COL11A1 (collagen type XI alpha 1 chain; minus strand). Cytogenetic location: 1p21.1.
Variant type: single nucleotide variant.
Coding change: c.1231A>G on transcript NM_001854.4 (MANE Select); coding-DNA position 1231, A replaced by G.
Protein change: p.Ile411Val; replaces isoleucine 411 with valine.
Molecular consequence: missense variant. On other transcripts: non-coding transcript variant (1), intron variant (1).
Genome position (GRCh38, 1-based): chr1:103,022,756, T>C on the plus strand (A>G on the coding strand, the complement: COL11A1 is on the minus strand). VCF-style: chr1-103022756-T-C. GRCh37 (hg19) VCF-style: chr1-103488312-T-C.
Other names: c.1114A>G, p.Ile372Val (NM_001190709.2); c.1267A>G, p.Ile423Val (NM_080629.3); c.898-987A>G (NM_080630.4); short protein forms I372V, I423V, I411V.
Identifiers: ClinVar variation 2791741 (VCV002791741.3), dbSNP rs2525580493, ClinGen allele CA341154204.
Genomic context (GRCh38, chr1:103,022,756, plus strand): 5'-CCCATAAATAAGACATACAATGACACAGTGCATAGTATCAACTTACGCTTGTTTCTGTAA[T>C]ATCAGTTTCTGCTGGTACACCTGGACCAAATTCTTCATTAGGGGGGCTTGTTGGTTTATC-3'
Protein context (NP_001845.3, residues 401-421): FGPGVPAETD[Ile411Val]TETSINGHGA

ClinVar aggregate classification (germline): Uncertain significance (1 of 4 stars; one submission).

Submission:

Labcorp Genetics (formerly Invitae), Labcorp
Classification: Uncertain significance. Last evaluated: 2023-10-31. Review status: criteria provided, single submitter. Criteria: Invitae Variant Classification Sherloc (09022015). Collection method: clinical testing. Allele origin: germline.
Comment: This sequence change replaces isoleucine, which is neutral and non-polar, with valine, which is neutral and non-polar, at codon 411 of the COL11A1 protein (p.Ile411Val). This variant is not present in population databases (gnomAD no frequency). This variant has not been reported in the literature in individuals affected with COL11A1-related conditions. Advanced modeling of protein sequence and biophysical properties (such as structural, functional, and spatial information, amino acid conservation, physicochemical variation, residue mobility, and thermodynamic stability) performed at Invitae indicates that this missense variant is not expected to disrupt COL11A1 protein function with a negative predictive value of 95%. In summary, the available evidence is currently insufficient to determine the role of this variant in disease. Therefore, it has been classified as a Variant of Uncertain Significance.